The following is an entry in ClinVar:

ClinVar aggregate classification (germline): Conflicting classifications of pathogenicity. Review status: criteria provided, conflicting classifications (1 of 4 stars). 3 submissions from 3 submitters: Uncertain significance (2); Likely benign (1). Last evaluated 2026-02-23.

Conditions:
Inborn genetic diseases. Identifiers: MedGen C0950123, MeSH D030342.

Allele frequency attached by ClinVar (database versions not stated): gnomAD 0.00006.
gnomAD v4.1: 11 of 1,605,454 alleles (0.00069%); highest among the groups gnomAD compares: African/African-American, 0.013%; no homozygotes.

Submissions (3):

Ambry Genetics
Classification: Uncertain significance for Inborn genetic diseases. Last evaluated: 2026-02-23. Review status: criteria provided, single submitter. Criteria: Ambry Variant Classification Scheme 2023. Collection method: clinical testing. Allele origin: germline.
Comment: The c.1416G>T (p.E472D) alteration is located in exon 9 (coding exon 9) of the NOTCH3 gene. This alteration results from a G to T substitution at nucleotide position 1416, causing the glutamic acid (E) at amino acid position 472 to be replaced by an aspartic acid (D). Based on data from gnomAD, the T allele has an overall frequency of <0.001% (1/267734) total alleles studied. The highest observed frequency was 0.004% (1/23474) of African alleles. Based on insufficient or conflicting evidence, the clinical significance of this alteration remains unclear.

Labcorp Genetics (formerly Invitae), Labcorp
Classification: Likely benign. Last evaluated: 2024-10-24. Review status: criteria provided, single submitter. Criteria: Invitae Variant Classification Sherloc (09022015). Collection method: clinical testing. Allele origin: germline.

Athena Diagnostics
Classification: Uncertain significance. Last evaluated: 2021-01-19. Review status: criteria provided, single submitter. Criteria: Athena Diagnostics criteria. Collection method: clinical testing. Allele origin: unknown.

NM_000435.3(NOTCH3):c.1416G>T (p.Glu472Asp)

Gene: NOTCH3 (notch receptor 3; minus strand). Cytogenetic location: 19p13.12.
Variant type: single nucleotide variant.
Coding change: c.1416G>T on transcript NM_000435.3 (MANE Select); coding-DNA position 1416, G replaced by T.
Protein change: p.Glu472Asp; replaces glutamic acid 472 with aspartic acid.
Molecular consequence: missense variant.
Genome position (GRCh38, 1-based): chr19:15,188,311, C>A on the plus strand (G>T on the coding strand, the complement: NOTCH3 is on the minus strand). VCF-style: chr19-15188311-C-A. GRCh37 (hg19) VCF-style: chr19-15299122-C-A.
Other names: short protein forms E472D.
Identifiers: ClinVar variation 1256488 (VCV001256488.8), dbSNP rs1416152273, ClinGen allele CA404527121.